The following is an entry in ClinVar:

ClinVar aggregate classification (germline): Pathogenic/Likely pathogenic. Review status: criteria provided, multiple submitters, no conflicts (2 of 4 stars). 3 submissions from 3 submitters: Pathogenic (1); Likely pathogenic (1). 1 of the submissions does not count toward it. Last evaluated 2024-06-07.

Conditions:
Mucopolysaccharidosis, MPS-II (MPS2). Also called: IDS deficiency; Sulfoiduronate sulfatase deficiency; SIDS deficiency; Attenuated MPS (subtype; formerly known as mild MPS II); Severe MPS II; I2S deficiency. Identifiers: Orphanet 580, Orphanet 79388, MedGen C0026705, MONDO:0010674, OMIM 309900.

Submissions (3):

Laboratory of Diagnosis and Therapy of Lysosomal Disorders, University of Padova
Classification: Pathogenic for Mucopolysaccharidosis, MPS-II. Last evaluated: 2024-06-07. Review status: criteria provided, single submitter. Criteria: ACMG Guidelines, 2015. Collection method: literature only. Allele origin: germline. Affected: yes. Observed: 4 variant alleles.
Comment: In vitro or in vivo functional studies supportive of a damaging effect (PS3_Strong), Absent from controls (or at low frequency) in gnomAD database (PM2_Moderate), Protein length changes in a nonrepeat region or stop–loss variants (PM4_Strong), Multiple lines of computational evidence support a deleterious effect (PP3_Supporting), Patient’s phenotype or family history highly specific for the disease (PP4_Moderate)

Classification method: ACMG Guidelines [PMID:25741868] with modifications

Department of Medical Genetics, Sanjay Gandhi Post Graduate Institute of Medical Sciences
Classification: Likely pathogenic for Mucopolysaccharidosis, MPS-II. Review status: criteria provided, single submitter. Criteria: ACMG Guidelines, 2015. Collection method: clinical testing. Allele origin: germline. Inheritance: X-linked recessive inheritance. Affected: yes. Observed: 1 variant allele, 1 hemizygote.

Laboratory of Inherited Metabolic Diseases, Research centre for medical genetics
Classification: Pathogenic for Mucopolysaccharidosis, type II; MPS2. Review status: no assertion criteria provided. Collection method: research. Allele origin: germline. Affected: yes. Not counted in ClinVar's aggregate classification.

Literature cited by the submitters: PubMed 35144014 (cited by Laboratory of Diagnosis and Therapy of Lysosomal Disorders, University of Padova); PubMed 33676511 (cited by Laboratory of Diagnosis and Therapy of Lysosomal Disorders, University of Padova); PubMed 30639582 (cited by Laboratory of Diagnosis and Therapy of Lysosomal Disorders, University of Padova); PubMed 36945845 (cited by Laboratory of Diagnosis and Therapy of Lysosomal Disorders, University of Padova).

NM_000202.8(IDS):c.117TCT[1] (p.Leu41del)

Gene: IDS (iduronate 2-sulfatase; minus strand). Cytogenetic location: Xq28.
Variant type: Microsatellite.
Coding change: c.117TCT[1] on transcript NM_000202.8 (MANE Select); one copy of the 3-base unit TCT starting at c.117; the reference has two copies in a row; one copy, 3 bases deleted; also written c.120_122del.
Protein change: p.Leu41del; deletes leucine 41.
Molecular consequence: inframe deletion. On other transcripts: 5 prime UTR variant (1), non-coding transcript variant (1).
Genome position (GRCh38, 1-based): chrX:149,504,275-149,504,277, AGA deleted on the plus strand (TCT on the coding strand, the reverse complement: IDS is on the minus strand); deleting any 3 consecutive bases within chrX:149,504,275-149,504,281 gives the same sequence; the position shown is the placement nearest the transcript's 3' end. VCF-style (leftmost placement, unchanged base first): chrX-149504274-GAGA-G. GRCh37 (hg19) VCF-style: chrX-148585804-GAGA-G.
Other names: c.-110TCT[1] (NM_001166550.4); c.117TCT[1], p.Leu41del (NM_006123.5); c.120_122del (NM_000202.8); short protein forms L41del.
Identifiers: ClinVar variation 988666 (VCV000988666.4), dbSNP rs2089505317, ClinGen allele CA913185985.